The following is an entry in ClinVar:

NM_014915.3(ANKRD26):c.1501G>A (p.Glu501Lys)

Gene: ANKRD26 (ankyrin repeat domain 26; minus strand). Cytogenetic location: 10p12.1.
Variant type: single nucleotide variant.
Coding change: c.1501G>A on transcript NM_014915.3 (MANE Select); coding-DNA position 1501, G replaced by A.
Protein change: p.Glu501Lys; replaces glutamic acid 501 with lysine.
Molecular consequence: missense variant.
Genome position (GRCh38, 1-based): chr10:27,060,408, C>T on the plus strand (G>A on the coding strand, the complement: ANKRD26 is on the minus strand). VCF-style: chr10-27060408-C-T. GRCh37 (hg19) VCF-style: chr10-27349337-C-T.
Other names: c.1501G>A, p.Glu501Lys (NM_001256053.2); short protein forms E501K.
Identifiers: ClinVar variation 3017687 (VCV003017687.5), dbSNP rs1397484113, ClinGen allele CA376357199.

ClinVar aggregate classification (germline): Uncertain significance. Review status: criteria provided, multiple submitters, no conflicts (2 of 4 stars). 3 submissions from 3 submitters: Uncertain significance (3). Last evaluated 2025-10-23.

Conditions:
Inborn genetic diseases. Identifiers: MedGen C0950123, MeSH D030342.
Thrombocytopenia 2 (THC2). Also called: ANKRD26-Related Thrombocytopenia. Identifiers: Orphanet 268322, MedGen C1861185, MONDO:0008555, OMIM 188000.

Allele frequency attached by ClinVar (database versions not stated): gnomAD exomes below 0.00001.
gnomAD v4.1: 2 of 1,612,262 alleles (0.00012%); highest among the groups gnomAD compares: Admixed American, 0.0017%; no homozygotes.

Submissions (3):

Ambry Genetics
Classification: Uncertain significance for Inborn genetic diseases. Last evaluated: 2025-10-23. Review status: criteria provided, single submitter. Criteria: Ambry Variant Classification Scheme 2023. Collection method: clinical testing. Allele origin: germline.
Comment: The p.E501K variant (also known as c.1501G>A), located in coding exon 15 of the ANKRD26 gene, results from a G to A substitution at nucleotide position 1501. The glutamic acid at codon 501 is replaced by lysine, an amino acid with similar properties. This amino acid position is conserved. In addition, this alteration is predicted to be tolerated by in silico analysis. Based on the available evidence, the clinical significance of this variant remains unclear.

Labcorp Genetics (formerly Invitae), Labcorp
Classification: Uncertain significance. Last evaluated: 2024-05-24. Review status: criteria provided, single submitter. Criteria: Invitae Variant Classification Sherloc (09022015). Collection method: clinical testing. Allele origin: germline.
Comment: This sequence change replaces glutamic acid, which is acidic and polar, with lysine, which is basic and polar, at codon 501 of the ANKRD26 protein (p.Glu501Lys). This variant is present in population databases (no rsID available, gnomAD 0.003%). This variant has not been reported in the literature in individuals affected with ANKRD26-related conditions. Algorithms developed to predict the effect of missense changes on protein structure and function output the following: SIFT: "Not Available"; PolyPhen-2: "Benign"; Align-GVGD: "Not Available". The lysine amino acid residue is found in multiple mammalian species, which suggests that this missense change does not adversely affect protein function. In summary, the available evidence is currently insufficient to determine the role of this variant in disease. Therefore, it has been classified as a Variant of Uncertain Significance.

St. Jude Molecular Pathology, St. Jude Children's Research Hospital
Classification: Uncertain significance for Thrombocytopenia 2. Last evaluated: 2024-05-07. Review status: criteria provided, single submitter. Criteria: St. Jude Assertion Criteria 2020. Collection method: clinical testing. Allele origin: germline.
Comment: The ANKRD26 c.1501G>A (p.Glu501Lys) missense change has a maximum subpopulation frequency of 0.003% in gnomAD v2.1.1. This variant is not located in the 5' UTR. The in silico tool REVEL predicts a benign effect on protein function, but to our knowledge this prediction has not been confirmed by functional studies. To our knowledge, this variant has not been reported in individuals with ANKRD26-related thrombocytopenia. In summary, the evidence currently available is insufficient to determine the clinical significance of this variant. It has therefore been classified as of uncertain significance.